The following is an entry in ClinVar:

NM_000135.4(FANCA):c.2275C>T (p.Pro759Ser)

Gene: FANCA (FA complementation group A; minus strand). Cytogenetic location: 16q24.3.
Variant type: single nucleotide variant.
Coding change: c.2275C>T on transcript NM_000135.4 (MANE Select); coding-DNA position 2275, C replaced by T.
Protein change: p.Pro759Ser; replaces proline 759 with serine.
Molecular consequence: missense variant.
Genome position (GRCh38, 1-based): chr16:89,770,207, G>A on the plus strand (C>T on the coding strand, the complement: FANCA is on the minus strand). VCF-style: chr16-89770207-G-A. GRCh37 (hg19) VCF-style: chr16-89836615-G-A.
Other names: c.2275C>T, p.Pro759Ser (NM_001286167.3); short protein forms P759S.
Identifiers: ClinVar variation 2173342 (VCV002173342.5), dbSNP rs145334278, ClinGen allele CA8251805.

ClinVar aggregate classification (germline): Uncertain significance. Review status: criteria provided, multiple submitters, no conflicts (2 of 4 stars). 2 submissions from 2 submitters: Uncertain significance (2). Last evaluated 2025-11-10.

Conditions:
Inborn genetic diseases. Identifiers: MedGen C0950123, MeSH D030342.
Fanconi anemia (FA). Also called: Fanconi's anemia. Identifiers: Orphanet 84, MedGen C0015625, MeSH D005199, MONDO:0019391.

Allele frequency attached by ClinVar (database versions not stated): gnomAD 0.00001; ExAC 0.00002; ESP Exome Variant Server 0.00008; TOPMed 0.00002.

Submissions (2):

Labcorp Genetics (formerly Invitae), Labcorp
Classification: Uncertain significance for Fanconi anemia. Last evaluated: 2025-11-10. Review status: criteria provided, single submitter. Criteria: Invitae Variant Classification Sherloc (09022015). Collection method: clinical testing. Allele origin: germline.
Comment: This sequence change replaces proline, which is neutral and non-polar, with serine, which is neutral and polar, at codon 759 of the FANCA protein (p.Pro759Ser). The frequency data for this variant in the population databases is considered unreliable, as metrics indicate poor data quality at this position in the gnomAD database. This variant has not been reported in the literature in individuals affected with FANCA-related conditions. ClinVar contains an entry for this variant (Variation ID: 2173342). Invitae Evidence Modeling of protein sequence and biophysical properties (such as structural, functional, and spatial information, amino acid conservation, physicochemical variation, residue mobility, and thermodynamic stability) has been performed for this missense variant. However, the output from this modeling did not meet the statistical confidence thresholds required to predict the impact of this variant on FANCA protein function. In summary, the available evidence is currently insufficient to determine the role of this variant in disease. Therefore, it has been classified as a Variant of Uncertain Significance.

Ambry Genetics
Classification: Uncertain significance for Inborn genetic diseases. Last evaluated: 2025-07-12. Review status: criteria provided, single submitter. Criteria: Ambry Variant Classification Scheme 2023. Collection method: clinical testing. Allele origin: germline.
Comment: The p.P759S variant (also known as c.2275C>T), located in coding exon 25 of the FANCA gene, results from a C to T substitution at nucleotide position 2275. The proline at codon 759 is replaced by serine, an amino acid with similar properties. This amino acid position is conserved. In addition, the in silico prediction for this alteration is inconclusive. Based on the available evidence, the clinical significance of this variant remains unclear.